The following is an entry in ClinVar:

ClinVar aggregate classification (germline): Uncertain significance (1 of 4 stars; one submission).

Allele frequency attached by ClinVar (database versions not stated): gnomAD exomes below 0.00001; TOPMed 0.00001.

Submission:

Ambry Genetics
Classification: Uncertain significance. Last evaluated: 2022-10-15. Review status: criteria provided, single submitter. Criteria: Ambry Variant Classification Scheme 2023. Collection method: clinical testing. Allele origin: germline.
Comment: The p.S158G variant (also known as c.472A>G), located in coding exon 1 of the EGLN2 gene, results from an A to G substitution at nucleotide position 472. The serine at codon 158 is replaced by glycine, an amino acid with similar properties. This amino acid position is conserved. In addition, this alteration is predicted to be tolerated by in silico analysis. Since supporting evidence is limited at this time, the clinical significance of this alteration remains unclear.

NM_080732.4(EGLN2):c.472A>G (p.Ser158Gly)

Genes: EGLN2 (egl-9 family hypoxia inducible factor 2; plus strand), RAB4B-EGLN2 (RAB4B-EGLN2 readthrough (NMD candidate); plus strand). Cytogenetic location: 19q13.2.
Variant type: single nucleotide variant.
Coding change: c.472A>G on transcript NM_080732.4 (MANE Select); coding-DNA position 472, A replaced by G.
Protein change: p.Ser158Gly; replaces serine 158 with glycine.
Molecular consequence: missense variant. On other transcripts: non-coding transcript variant (1).
Genome position (GRCh38, 1-based): chr19:40,801,044, A>G. VCF-style: chr19-40801044-A-G. GRCh37 (hg19) VCF-style: chr19-41306949-A-G.
Other names: c.472A>G, p.Ser158Gly (NM_053046.4); short protein forms S158G.
Identifiers: ClinVar variation 1742699 (VCV001742699.2), dbSNP rs2083253055, ClinGen allele CA405955333.